The following is an entry in ClinVar:

ClinVar aggregate classification (germline): Likely pathogenic (1 of 4 stars; one submission).

Conditions:
DHDDS-related disorder. Also called: DHDDS-related condition.

Submission:

PreventionGenetics, part of Exact Sciences
Classification: Likely pathogenic for DHDDS-related condition. Last evaluated: 2025-03-04. Review status: criteria provided, single submitter. Criteria: ACMG Guidelines, 2015. Collection method: clinical testing. Allele origin: germline.
Comment: The DHDDS c.456_459delCTGT variant is predicted to result in a frameshift and premature protein termination (p.Cys153Leufs*13). To our knowledge, this variant has not been reported in the literature or in a large population database (gnomAD), indicating this variant is rare. Frameshift variants in DHDDS are expected to be pathogenic for autosomal recessive disease. This variant is interpreted as likely pathogenic.

NM_205861.3(DHDDS):c.456_459del (p.Cys153fs)

Gene: DHDDS (dehydrodolichyl diphosphate synthase subunit; plus strand). Cytogenetic location: 1p36.11.
Variant type: Deletion.
Coding change: c.456_459del on transcript NM_205861.3 (MANE Select); coding-DNA positions 456 to 459, 4 bases deleted (CTGT; older notation c.456_459delCTGT).
Protein change: p.Cys153fs; shifts the reading frame from cysteine 153.
Molecular consequence: frameshift variant. On other transcripts: intron variant (1).
Genome position (GRCh38, 1-based): chr1:26,447,574-26,447,577, CTGT deleted; deleting any 4 consecutive bases within chr1:26,447,571-26,447,577 gives the same sequence; the c. name uses the placement nearest the transcript's 3' end. VCF-style (leftmost placement, unchanged base first): chr1-26447570-ATGTC-A. GRCh37 (hg19) VCF-style: chr1-26774061-ATGTC-A.
Other names: c.339_342del, p.Cys114fs (NM_001243565.2); c.177_180del, p.Cys60fs (NM_001319959.2); c.456_459del, p.Cys153fs (NM_024887.4); c.440+1142_440+1145del (NM_001243564.2); short protein forms C60fs, C114fs, C153fs.
Identifiers: ClinVar variation 5000693 (VCV005000693.1).